The following is an entry in ClinVar:

ClinVar aggregate classification (germline): Pathogenic (1 of 4 stars; one submission).

Conditions:
Hereditary factor XI deficiency disease. Also called: PLASMA THROMBOPLASTIN ANTECEDENT DEFICIENCY; PTA DEFICIENCY; ROSENTHAL SYNDROME; Congenital factor XI deficiency. Identifiers: Orphanet 329, MedGen C0015523, MeSH D005173, MONDO:0012897, OMIM 612416.

Submission:

Myriad Genetics, Inc.
Classification: Pathogenic for Hereditary factor XI deficiency disease. Last evaluated: 2024-05-14. Review status: criteria provided, single submitter. Criteria: Myriad Autosomal Dominant, Autosomal Recessive and X-Linked Classification Criteria (2023). Collection method: clinical testing. Allele origin: unknown.
Comment: NM_000128.3(F11):c.989_990delTT(F330Yfs*28) is expected to be pathogenic in the context of factor XI deficiency. This variant is predicted to lead to an abnormal or absent protein product due to the creation of a premature termination codon in F11, a gene where loss-of-function variants are known to be pathogenic. Please note: this variant was assessed in the context of healthy population screening.

NM_000128.4(F11):c.989_990del (p.Phe330fs)

Gene: F11 (coagulation factor XI; plus strand). Cytogenetic location: 4q35.2.
Variant type: Deletion.
Coding change: c.989_990del on transcript NM_000128.4 (MANE Select); coding-DNA positions 989 to 990, 2 bases deleted (TT; older notation c.989_990delTT).
Protein change: p.Phe330fs; shifts the reading frame from phenylalanine 330.
Molecular consequence: frameshift variant.
Genome position (GRCh38, 1-based): chr4:186,280,346-186,280,347, TT deleted; deleting any 2 consecutive bases within chr4:186,280,342-186,280,347 gives the same sequence; the c. name uses the placement nearest the transcript's 3' end. VCF-style (leftmost placement, unchanged base first): chr4-186280341-GTT-G. GRCh37 (hg19) VCF-style: chr4-187201495-GTT-G.
Other names: c.941_942del, p.Phe314fs (NM_001440590.1, NM_001440596.1); c.989_990del, p.Phe330fs (NM_001440593.1); c.719_720del, p.Phe240fs (NM_001440605.1, NM_001440607.1); c.671_672del, p.Phe224fs (NM_001440606.1, NM_001440608.1); short protein forms F224fs, F240fs, F314fs, F330fs.
Identifiers: ClinVar variation 5016436 (VCV005016436.1).
Genomic context (GRCh38, chr4:186,280,341, plus strand): 5'-TGTTGCTGCAAAAAGTCACGAGGCCTGCCAGAAACTGTGCACCAATGCCGTCCGCTGCCA[GTT>G]TTTTACCTATACCCCAGCCCAAGCATCCTGCAACGAAGGGAAGTAAGCCATATGAAGGGT-3'